The following is an entry in ClinVar:

NM_004036.5(ADCY3):c.327C>T (p.Ala109=)

Gene: ADCY3 (adenylate cyclase 3; minus strand). Cytogenetic location: 2p23.3.
Variant type: single nucleotide variant.
Coding change: c.327C>T on transcript NM_004036.5 (MANE Select); coding-DNA position 327, C replaced by T.
Protein change: p.Ala109=; no amino-acid change (alanine 109 retained).
Molecular consequence: synonymous variant.
Genome position (GRCh38, 1-based): chr2:24,918,661, G>A on the plus strand (C>T on the coding strand, the complement: ADCY3 is on the minus strand). VCF-style: chr2-24918661-G-A. GRCh37 (hg19) VCF-style: chr2-25141530-G-A.
Other names: c.327C>T, p.Ala109= (NM_001320613.2); c.327C>T (NM_001320613.1).
Identifiers: ClinVar variation 747302 (VCV000747302.11), dbSNP rs147964025, ClinGen allele CA1554536.

ClinVar aggregate classification (germline): Benign/Likely benign. Review status: criteria provided, multiple submitters, no conflicts (2 of 4 stars). 3 submissions from 3 submitters: Benign (1); Likely benign (1). 1 of the submissions does not count toward it. Last evaluated 2024-09-17.

Conditions:
ADCY3-related disorder. Also called: ADCY3-related condition.

Allele frequency attached by ClinVar (database versions not stated): gnomAD 0.00094 and 0.00106; TOPMed 0.00121; 1000 Genomes Project 30x 0.00078; 1000 Genomes Project 0.00080; ESP Exome Variant Server 0.00100.
gnomAD v4.1: 287 of 1,614,092 alleles (0.018%); highest among the groups gnomAD compares: African/African-American, 0.33%; 1 homozygote.

Submissions (3):

Labcorp Genetics (formerly Invitae), Labcorp
Classification: Benign. Last evaluated: 2024-09-17. Review status: criteria provided, single submitter. Criteria: Invitae Variant Classification Sherloc (09022015). Collection method: clinical testing. Allele origin: germline.

Genetic Services Laboratory, University of Chicago
Classification: Likely benign. Last evaluated: 2021-07-16. Review status: criteria provided, single submitter. Criteria: ACMG Guidelines, 2015. Collection method: clinical testing. Allele origin: germline. Affected: no.

PreventionGenetics, part of Exact Sciences
Classification: Likely benign for ADCY3-related condition. Last evaluated: 2019-08-30. Review status: no assertion criteria provided. Collection method: clinical testing. Allele origin: germline. Not counted in ClinVar's aggregate classification.
Comment: This variant is classified as likely benign based on ACMG/AMP sequence variant interpretation guidelines (Richards et al. 2015 PMID: 25741868, with internal and published modifications).